The following is an entry in ClinVar:

ClinVar aggregate classification (germline): Likely benign. Review status: criteria provided, single submitter (1 of 4 stars). 2 submissions from 2 submitters: Likely benign (1). 1 of the submissions does not count toward it. Last evaluated 2025-08-03.

Conditions:
SPARC-related disorder. Also called: SPARC-related condition.

Allele frequency attached by ClinVar (database versions not stated): gnomAD 0.00001; gnomAD exomes 0.00001 and 0.00002; TOPMed 0.00002.
gnomAD v4.1: 12 of 1,613,966 alleles (0.00074%); highest among the groups gnomAD compares: Admixed American, 0.02%; no homozygotes.

Submissions (2):

Labcorp Genetics (formerly Invitae), Labcorp
Classification: Likely benign. Last evaluated: 2025-08-03. Review status: criteria provided, single submitter. Criteria: Invitae Variant Classification Sherloc (09022015). Collection method: clinical testing. Allele origin: germline.

PreventionGenetics, part of Exact Sciences
Classification: Likely benign for SPARC-related condition. Last evaluated: 2019-07-01. Review status: no assertion criteria provided. Collection method: clinical testing. Allele origin: germline. Not counted in ClinVar's aggregate classification.
Comment: This variant is classified as likely benign based on ACMG/AMP sequence variant interpretation guidelines (Richards et al. 2015 PMID: 25741868, with internal and published modifications).

NM_003118.4(SPARC):c.771T>C (p.Ala257=)

Genes: SPARC (secreted protein acidic and cysteine rich; minus strand), LOC126807556 (MED14-independent group 3 enhancer GRCh37_chr5:151042798-151043997; plus strand). Cytogenetic location: 5q33.1.
Variant type: single nucleotide variant.
Coding change: c.771T>C on transcript NM_003118.4 (MANE Select); coding-DNA position 771, T replaced by C.
Protein change: p.Ala257=; no amino-acid change (alanine 257 retained).
Molecular consequence: synonymous variant.
Genome position (GRCh38, 1-based): chr5:151,664,199, A>G on the plus strand (T>C on the coding strand, the complement: SPARC is on the minus strand). VCF-style: chr5-151664199-A-G. GRCh37 (hg19) VCF-style: chr5-151043760-A-G.
Other names: c.768T>C, p.Ala256= (NM_001309443.2); c.771T>C, p.Ala257= (NM_001309444.2); c.771T>C (NM_003118.3).
Identifiers: ClinVar variation 1594661 (VCV001594661.10), dbSNP rs1235841133, ClinGen allele CA447210801.